The following is an entry in ClinVar:

ClinVar aggregate classification (germline): Pathogenic (1 of 4 stars; one submission).

Conditions:
Dentin dysplasia, Type II; DTDP2.
Dentinogenesis imperfecta type 2 (DGI1). Also called: CAPDEPONT TEETH; OPALESCENT DENTIN; OPALESCENT TEETH WITHOUT OSTEOGENESIS IMPERFECTA; Dentinogenesis imperfecta without osteogenesis imperfecta; Hereditary Opalescent Dentin; Dentinogenesis imperfecta - Shield's type II. Identifiers: Orphanet 166260, MedGen C2973527, MONDO:0007441, OMIM 125490. Disease mechanism: loss of function.

Submission:

Reference Center For Rare Oral And Dental Diseases, CRMR O-Rares, Hôpitaux Universitaires De Strasbourg
Classification: Pathogenic for Dentinogenesis imperfecta type 2; Dentin dysplasia, Type II; DTDP2. Last evaluated: 2025-09-03. Review status: criteria provided, single submitter. Criteria: ACMG Guidelines, 2015. Collection method: clinical testing. Allele origin: inherited. Inheritance: Autosomal dominant inheritance. Affected: yes. Observed: 6 variant alleles.
Comment: PVS1, PM2, PP1 (5)

NM_014208.3(DSPP):c.1729_1924del (p.Ser577fs)

Genes: DMP1-AS1 (DMP1 and DSPP antisense RNA 1; minus strand), DSPP (dentin sialophosphoprotein; plus strand). Cytogenetic location: 4q22.1.
Variant type: Deletion.
Coding change: c.1729_1924del on transcript NM_014208.3 (MANE Select); coding-DNA positions 1729 to 1924, 196 bases deleted.
Protein change: p.Ser577fs; shifts the reading frame from serine 577.
Molecular consequence: frameshift variant.
Genome position (GRCh38, 1-based): chr4:87,614,391-87,614,586, 196 bases deleted. GRCh37 (hg19): chr4:88,535,543-88,535,738.
Other names: short protein forms S577fs.
Identifiers: ClinVar variation 4082219 (VCV004082219.1).